The following is an entry in ClinVar:

NM_206933.4(USH2A):c.15465dup (p.Val5156fs)

Gene: USH2A (usherin; minus strand). Cytogenetic location: 1q41.
Variant type: Duplication.
Coding change: c.15465dup on transcript NM_206933.4 (MANE Select); coding-DNA position 15465, one base duplicated (A; older notation c.15465dupA).
Protein change: p.Val5156fs; shifts the reading frame from valine 5156.
Molecular consequence: frameshift variant.
Genome position (GRCh38, 1-based): chr1:215,628,868, T duplicated on the plus strand (A on the coding strand, the reverse complement: USH2A is on the minus strand); the first of 3 consecutive T bases (chr1:215,628,868-215,628,870); duplicating any one gives the same sequence. VCF-style (leftmost placement, unchanged base first): chr1-215628867-C-CT. GRCh37 (hg19) VCF-style: chr1-215802209-C-CT.
Other names: short protein forms V5156fs.
Identifiers: ClinVar variation 1329072 (VCV001329072.12), dbSNP rs769582796, ClinGen allele CA1392672.

ClinVar aggregate classification (germline): Conflicting classifications of pathogenicity. Review status: criteria provided, conflicting classifications (1 of 4 stars). 5 submissions from 5 submitters: Pathogenic (1); Likely pathogenic (2); Uncertain significance (2). Last evaluated 2025-03-01.

Conditions:
Retinitis pigmentosa 39 (RP39). Identifiers: Orphanet 791, MedGen C3151138, MONDO:0013436, OMIM 613809.
Usher syndrome type 2A. Also called: RETINAL DISEASE IN USHER SYNDROME TYPE IIA, MODIFIER OF; USHER SYNDROME, TYPE IIA. Identifiers: Orphanet 231178, Orphanet 886, MedGen C1848634, MONDO:0010169, OMIM 276901.

Submissions (5):

Labcorp Genetics (formerly Invitae), Labcorp
Classification: Pathogenic. Last evaluated: 2025-03-01. Review status: criteria provided, single submitter. Criteria: Invitae Variant Classification Sherloc (09022015). Collection method: clinical testing. Allele origin: germline.
Comment: This sequence change creates a premature translational stop signal (p.Val5156Serfs*22) in the USH2A gene. While this is not anticipated to result in nonsense mediated decay, it is expected to disrupt the last 47 amino acid(s) of the USH2A protein. This variant is present in population databases (rs769582796, gnomAD 0.0009%). This variant has not been reported in the literature in individuals affected with USH2A-related conditions. ClinVar contains an entry for this variant (Variation ID: 1329072). This variant disrupts a region of the USH2A protein in which other variant(s) (p.Ile5166Val) have been determined to be pathogenic (PMID: 26969326, 27460420, 32531858). This suggests that this is a clinically significant region of the protein, and that variants that disrupt it are likely to be disease-causing. For these reasons, this variant has been classified as Pathogenic.

Natera, Inc.
Classification: Likely pathogenic for Usher syndrome type 2A. Last evaluated: 2024-05-06. Review status: criteria provided, single submitter. Criteria: Natera Variant Classification Schema (03/2026). Collection method: clinical testing. Allele origin: germline.
Comment: The c.15465dupA variant in USH2A is a frameshift variant predicted to shift the reading frame beginning at codon 5156 and leads to a stop codon 22 codons downstream. This variant is expected to result in nonsense mediated decay, truncation, or a dysfunctional protein product. This variant is rare in the general population with a frequency below the threshold expected for the associated phenotype(s). Given the available evidence, this variant is classified as Likely Pathogenic.

Baylor Genetics
Classification: Likely pathogenic for Retinitis pigmentosa 39. Last evaluated: 2023-10-17. Review status: criteria provided, single submitter. Criteria: ACMG Guidelines, 2015. Collection method: clinical testing. Allele origin: unknown.

Blueprint Genetics
Classification: Uncertain significance. Last evaluated: 2023-04-13. Review status: criteria provided, single submitter. Criteria: ACMG Guidelines, 2015. Collection method: clinical testing. Allele origin: germline.

Women's Health and Genetics/Laboratory Corporation of America, LabCorp
Classification: Uncertain significance. Last evaluated: 2021-11-07. Review status: criteria provided, single submitter. Criteria: LabCorp Variant Classification Summary - May 2015. Collection method: clinical testing. Allele origin: germline.
Comment: Variant summary: USH2A c.15465dupA (p.Val5156SerfsX22) results in a premature termination codon, predicted to cause a truncation of the encoded protein or absence of the protein due to nonsense mediated decay, which are commonly known mechanisms for disease. Truncations downstream of this position have not been classified as pathogenic by our laboratory but at-least one downstream truncation has been listed with a phenotype of Retinitis pigmentosa and a questionable classification (c.15575_15579delAGGAA, p.Lys5192Thrfs*48, citing Gao_2019) in the HGMD database. The variant allele was found at a frequency of 1.2e-05 in 251470 control chromosomes. To our knowledge, no occurrence of c.15465dupA in individuals affected with Usher Syndrome and no experimental evidence demonstrating its impact on protein function have been reported. No clinical diagnostic laboratories have submitted clinical-significance assessments for this variant to ClinVar after 2014. Based on the evidence outlined above, the variant was classified as VUS-possibly pathogenic.

Literature cited by the submitters: PubMed 26969326 (cited by Labcorp Genetics (formerly Invitae), Labcorp); PubMed 27460420 (cited by Labcorp Genetics (formerly Invitae), Labcorp); PubMed 32531858 (cited by Labcorp Genetics (formerly Invitae), Labcorp).